The following is an entry in ClinVar:

NM_006859.4(LIAS):c.163G>A (p.Asp55Asn)

Gene: LIAS (lipoic acid synthetase; plus strand). Cytogenetic location: 4p14.
Variant type: single nucleotide variant.
Coding change: c.163G>A on transcript NM_006859.4 (MANE Select); coding-DNA position 163, G replaced by A.
Protein change: p.Asp55Asn; replaces aspartic acid 55 with asparagine.
Molecular consequence: missense variant.
Genome position (GRCh38, 1-based): chr4:39,460,907, G>A. VCF-style: chr4-39460907-G-A. GRCh37 (hg19) VCF-style: chr4-39462527-G-A.
Other names: c.163G>A, p.Asp55Asn (NM_001278590.2, NM_001278591.2, NM_001278592.2 and 2 more transcripts); short protein forms D55N.
Identifiers: ClinVar variation 1010805 (VCV001010805.6), dbSNP rs1744463777, ClinGen allele CA356663788.
Genomic context (GRCh38, chr4:39,460,907, plus strand): 5'-AAAAAGGAACTCCTACAGAATGGACCAGACCTTCAAGATTTTGTATCTGGTGATCTTGCA[G>A]ACAGGAGCACCTGGGATGAATATAAAGGAAACCTAAAACGCCAGAAAGGAGAAAGGTAAT-3'
Protein context (NP_006850.2, residues 45-65): LQDFVSGDLA[Asp55Asn]RSTWDEYKGN

ClinVar aggregate classification (germline): Uncertain significance (1 of 4 stars; one submission).

Conditions:
Lipoic acid synthetase deficiency. Also called: HYPERGLYCINEMIA, LACTIC ACIDOSIS, AND SEIZURES. Identifiers: Orphanet 401859, MedGen C3280887, MONDO:0013762, OMIM 614462.

Allele frequency attached by ClinVar (database versions not stated): TOPMed below 0.00001.

Submission:

Labcorp Genetics (formerly Invitae), Labcorp
Classification: Uncertain significance for Lipoic acid synthetase deficiency. Last evaluated: 2021-08-27. Review status: criteria provided, single submitter. Criteria: Invitae Variant Classification Sherloc (09022015). Collection method: clinical testing. Allele origin: germline.
Comment: This sequence change replaces aspartic acid with asparagine at codon 55 of the LIAS protein (p.Asp55Asn). The aspartic acid residue is moderately conserved and there is a small physicochemical difference between aspartic acid and asparagine. This variant is not present in population databases (ExAC no frequency). This variant has not been reported in the literature in individuals affected with LIAS-related conditions. Algorithms developed to predict the effect of missense changes on protein structure and function (SIFT, PolyPhen-2, Align-GVGD) all suggest that this variant is likely to be tolerated. In summary, the available evidence is currently insufficient to determine the role of this variant in disease. Therefore, it has been classified as a Variant of Uncertain Significance.